The following is an entry in ClinVar:

ClinVar aggregate classification (germline): Likely benign. Review status: criteria provided, multiple submitters, no conflicts (2 of 4 stars). 3 submissions from 3 submitters: Likely benign (3). Last evaluated 2026-01-25.

Allele frequency attached by ClinVar (database versions not stated): ESP Exome Variant Server 0.00008; TOPMed 0.00025; gnomAD 0.00030 and 0.00031; gnomAD exomes 0.00039; ExAC 0.00047.
gnomAD v4.1: 476 of 1,612,942 alleles (0.03%); highest among the groups gnomAD compares: Non-Finnish European, 0.034%; no homozygotes.

Submissions (3):

Labcorp Genetics (formerly Invitae), Labcorp
Classification: Likely benign. Last evaluated: 2026-01-25. Review status: criteria provided, single submitter. Criteria: Invitae Variant Classification Sherloc (09022015). Collection method: clinical testing. Allele origin: germline.

Blueprint Genetics
Classification: Likely benign. Last evaluated: 2024-10-31. Review status: criteria provided, single submitter. Criteria: ACMG Guidelines, 2015. Collection method: clinical testing. Allele origin: germline.

CeGaT Center for Human Genetics Tuebingen
Classification: Likely benign. Last evaluated: 2023-08-01. Review status: criteria provided, single submitter. Criteria: CeGaT Center For Human Genetics Tuebingen Variant Classification Criteria Version 2. Collection method: clinical testing. Allele origin: germline. Affected: yes. Observed: 2 variant alleles.
Comment: YME1L1: BP4, BP7

NM_014263.4(YME1L1):c.754C>T (p.Leu252=)

Gene: YME1L1 (YME1 like 1 ATPase; minus strand). Cytogenetic location: 10p12.1.
Variant type: single nucleotide variant.
Coding change: c.754C>T on transcript NM_014263.4 (MANE Select); coding-DNA position 754, C replaced by T.
Protein change: p.Leu252=; no amino-acid change (leucine 252 retained).
Molecular consequence: synonymous variant.
Genome position (GRCh38, 1-based): chr10:27,134,060, G>A on the plus strand (C>T on the coding strand, the complement: YME1L1 is on the minus strand). VCF-style: chr10-27134060-G-A. GRCh37 (hg19) VCF-style: chr10-27422989-G-A.
Other names: c.655C>T, p.Leu219= (NM_001253866.2); c.925C>T, p.Leu309= (NM_139312.3).
Identifiers: ClinVar variation 741823 (VCV000741823.34), dbSNP rs148729223, ClinGen allele CA5449505.
Genomic context (GRCh38, chr10:27,134,060, plus strand): 5'-GAATAAGAAATAAGTTAGACAAATAAAAAAAGCTTTTACCAGATAAAAATGGGTTTTTTA[G>A]AAGTCCATAAATGCCGAATAGCAGCAGAACGAAGAGAATCAGACGGGTTCGCCTTAGGGA-3'
Protein context (NP_055078.1, residues 242-262): VLLLFGIYGL[Leu252=]KNPFLSVRFR